The following is an entry in ClinVar:

NM_001128840.3(CACNA1D):c.3314+1G>A

Gene: CACNA1D (calcium voltage-gated channel subunit alpha1 D; plus strand). Cytogenetic location: 3p21.1.
Variant type: single nucleotide variant.
Coding change: c.3314+1G>A on transcript NM_001128840.3 (MANE Select); the canonical splice donor site of the intron after coding-DNA position 3314, G replaced by A.
Molecular consequence: splice donor variant.
Genome position (GRCh38, 1-based): chr3:53,747,449, G>A. VCF-style: chr3-53747449-G-A. GRCh37 (hg19) VCF-style: chr3-53781476-G-A.
Other names: c.3314+1G>A (NM_001128839.3); c.3374+1G>A (NM_000720.4).
Identifiers: ClinVar variation 2412936 (VCV002412936.3), dbSNP rs2473960715, ClinGen allele CA353247946.

ClinVar aggregate classification (germline): Uncertain significance. Review status: criteria provided, multiple submitters, no conflicts (2 of 4 stars). 2 submissions from 2 submitters: Uncertain significance (2). Last evaluated 2022-07-28.

Submissions (2):

GeneDx
Classification: Uncertain significance. Last evaluated: 2022-07-28. Review status: criteria provided, single submitter. Criteria: GeneDx Variant Classification Process June 2021. Collection method: clinical testing. Allele origin: germline. Affected: yes.
Comment: Canonical splice site variant in a gene or region of a gene for which loss of function is not a well-established mechanism of disease; Not observed at significant frequency in large population cohorts (gnomAD); Has not been previously published as pathogenic or benign to our knowledge

Blueprint Genetics
Classification: Uncertain significance. Last evaluated: 2021-09-16. Review status: criteria provided, single submitter. Criteria: ACMG Guidelines, 2015. Collection method: clinical testing. Allele origin: germline.